The following is an entry in ClinVar:

ClinVar aggregate classification (germline): Uncertain significance (1 of 4 stars; one submission).

Submission:

Labcorp Genetics (formerly Invitae), Labcorp
Classification: Uncertain significance. Last evaluated: 2025-10-09. Review status: criteria provided, single submitter. Criteria: Invitae Variant Classification Sherloc (09022015). Collection method: clinical testing. Allele origin: germline.
Comment: This sequence change replaces glycine, which is neutral and non-polar, with aspartic acid, which is acidic and polar, at codon 457 of the COL9A3 protein (p.Gly457Asp). This variant is not present in population databases (gnomAD no frequency). This variant has not been reported in the literature in individuals affected with COL9A3-related conditions. An algorithm developed to predict the effect of missense changes on protein structure and function (PolyPhen-2) suggests that this variant is likely to be disruptive. In summary, the available evidence is currently insufficient to determine the role of this variant in disease. Therefore, it has been classified as a Variant of Uncertain Significance.

NM_001853.4(COL9A3):c.1370G>A (p.Gly457Asp)

Genes: COL9A3 (collagen type IX alpha 3 chain; plus strand), LOC126863084 (MED14-independent group 3 enhancer GRCh37_chr20:61467141-61468340; plus strand). Cytogenetic location: 20q13.33.
Variant type: single nucleotide variant.
Coding change: c.1370G>A on transcript NM_001853.4 (MANE Select); coding-DNA position 1370, G replaced by A.
Protein change: p.Gly457Asp; replaces glycine 457 with aspartic acid.
Molecular consequence: missense variant.
Genome position (GRCh38, 1-based): chr20:62,835,922, G>A. VCF-style: chr20-62835922-G-A. GRCh37 (hg19) VCF-style: chr20-61467274-G-A.
Other names: short protein forms G457D.
Identifiers: ClinVar variation 4728855 (VCV004728855.1).